The following is an entry in ClinVar:

NM_002334.4(LRP4):c.525T>A (p.Asp175Glu)

Gene: LRP4 (LDL receptor related protein 4; minus strand). Cytogenetic location: 11p11.2.
Variant type: single nucleotide variant.
Coding change: c.525T>A on transcript NM_002334.4 (MANE Select); coding-DNA position 525, T replaced by A.
Protein change: p.Asp175Glu; replaces aspartic acid 175 with glutamic acid.
Molecular consequence: missense variant.
Genome position (GRCh38, 1-based): chr11:46,899,409, A>T on the plus strand (T>A on the coding strand, the complement: LRP4 is on the minus strand). VCF-style: chr11-46899409-A-T. GRCh37 (hg19) VCF-style: chr11-46920960-A-T.
Other names: short protein forms D175E.
Identifiers: ClinVar variation 2155030 (VCV002155030.3), dbSNP rs757433016, ClinGen allele CA221654895.
Genomic context (GRCh38, chr11:46,899,409, plus strand): 5'-TCATCCAACCCAACAGCCTGAGGTCTGGGGCCACTCACGACAGTTCTCCTCATCGGAGCC[A>T]TCTTTGCAGTCGGTGTCACCGTCGCAGTACCAATGCTCAGCAATGCAGCTTCCGTCACTA-3'
Protein context (NP_002325.2, residues 165-185): WYCDGDTDCK[Asp175Glu]GSDEENCPSA

ClinVar aggregate classification (germline): Uncertain significance. Review status: criteria provided, multiple submitters, no conflicts (2 of 4 stars). 2 submissions from 2 submitters: Uncertain significance (2). Last evaluated 2024-04-30.

Conditions:
Congenital myasthenic syndrome 17. Identifiers: Orphanet 590, MedGen C4225377, MONDO:0014578, OMIM 616304.
Cenani-Lenz syndactyly syndrome. Also called: CENANI SYNDACTYLISM; SYNDACTYLY, TYPE VII. Identifiers: Orphanet 3258, MedGen C1859309, MONDO:0008931, OMIM 212780.
Sclerosteosis 2 (SOST2). Identifiers: Orphanet 3152, MedGen C3280402, MONDO:0013679, OMIM 614305.

Allele frequency attached by ClinVar (database versions not stated): gnomAD exomes 0.00001.
gnomAD v4.1: 12 of 1,614,062 alleles (0.00074%); highest among the groups gnomAD compares: Non-Finnish European, 0.001%; no homozygotes.

Submissions (2):

Fulgent Genetics
Classification: Uncertain significance for Cenani-Lenz syndactyly syndrome; Sclerosteosis 2; Congenital myasthenic syndrome 17. Last evaluated: 2024-04-30. Review status: criteria provided, single submitter. Criteria: ACMG Guidelines, 2015. Collection method: clinical testing. Allele origin: germline.

Labcorp Genetics (formerly Invitae), Labcorp
Classification: Uncertain significance for Cenani-Lenz syndactyly syndrome; Sclerosteosis 2; Congenital myasthenic syndrome 17. Last evaluated: 2023-04-09. Review status: criteria provided, single submitter. Criteria: Invitae Variant Classification Sherloc (09022015). Collection method: clinical testing. Allele origin: germline.
Comment: In summary, the available evidence is currently insufficient to determine the role of this variant in disease. Therefore, it has been classified as a Variant of Uncertain Significance. An algorithm developed to predict the effect of missense changes on protein structure and function (PolyPhen-2) suggests that this variant is likely to be disruptive. ClinVar contains an entry for this variant (Variation ID: 2155030). This variant has not been reported in the literature in individuals affected with LRP4-related conditions. This variant is not present in population databases (gnomAD no frequency). This sequence change replaces aspartic acid, which is acidic and polar, with glutamic acid, which is acidic and polar, at codon 175 of the LRP4 protein (p.Asp175Glu).